The following is an entry in ClinVar:

NM_000138.5(FBN1):c.2521A>T (p.Thr841Ser)

Gene: FBN1 (fibrillin 1; minus strand). Cytogenetic location: 15q21.1.
Variant type: single nucleotide variant.
Coding change: c.2521A>T on transcript NM_000138.5 (MANE Select); coding-DNA position 2521, A replaced by T.
Protein change: p.Thr841Ser; replaces threonine 841 with serine.
Molecular consequence: missense variant.
Genome position (GRCh38, 1-based): chr15:48,495,487, T>A on the plus strand (A>T on the coding strand, the complement: FBN1 is on the minus strand). VCF-style: chr15-48495487-T-A. GRCh37 (hg19) VCF-style: chr15-48787684-T-A.
Other names: short protein forms T841S.
Identifiers: ClinVar variation 928230 (VCV000928230.10), dbSNP rs1381506466, ClinGen allele CA392334289.

ClinVar aggregate classification (germline): Conflicting classifications of pathogenicity. Review status: criteria provided, conflicting classifications (1 of 4 stars). 3 submissions from 3 submitters: Uncertain significance (2); Likely benign (1). Last evaluated 2025-09-05.

Conditions:
Marfan syndrome (MFS). Also called: Marfan syndrome, classic; Marfan syndrome type 1; Marfan's syndrome; FBN1-Related Marfan Syndrome; MARFAN SYNDROME, TYPE I. Identifiers: Orphanet 284963, Orphanet 558, MedGen C0024796, MONDO:0007947, OMIM 154700.
Familial thoracic aortic aneurysm and aortic dissection (TAAD). Also called: Thoracic aortic aneurysms and dissections. Identifiers: Orphanet 91387, MedGen C4707243, MONDO:0019625.

Allele frequency attached by ClinVar (database versions not stated): gnomAD exomes below 0.00001.
gnomAD v4.1: 7 of 1,614,082 alleles (0.00043%); highest among the groups gnomAD compares: South Asian, 0.0055%; no homozygotes.

Submissions (3):

Color Diagnostics, LLC DBA Color Health
Classification: Uncertain significance for Familial thoracic aortic aneurysm and aortic dissection. Last evaluated: 2025-09-05. Review status: criteria provided, single submitter. Criteria: ACMG Guidelines, 2015. Collection method: clinical testing. Allele origin: germline.
Comment: This missense variant replaces threonine with serine at codon 841 of the FBN1 protein. Computational prediction suggests that this variant may not impact protein structure and function. To our knowledge, functional studies have not been reported for this variant. This variant has not been reported in individuals affected with FBN1-related disorders in the literature. This variant has been identified in 1/251002 chromosomes in the general population by the Genome Aggregation Database (gnomAD). The available evidence is insufficient to determine the role of this variant in disease conclusively. Therefore, this variant is classified as a Variant of Uncertain Significance.

Labcorp Genetics (formerly Invitae), Labcorp
Classification: Likely benign for Marfan syndrome; Familial thoracic aortic aneurysm and aortic dissection. Last evaluated: 2023-10-26. Review status: criteria provided, single submitter. Criteria: Invitae Variant Classification Sherloc (09022015). Collection method: clinical testing. Allele origin: germline.

Victorian Clinical Genetics Services, Murdoch Childrens Research Institute
Classification: Uncertain significance for Marfan syndrome. Last evaluated: 2022-02-02. Review status: criteria provided, single submitter. Criteria: ACMG Guidelines, 2015. Collection method: clinical testing. Allele origin: germline. Inheritance: Autosomal dominant inheritance. Affected: yes.
Comment: Based on the classification scheme VCGS_Germline_v1.3.4, this variant is classified as VUS-3B. Following criteria are met: 0103 - Dominant negative and loss of function are known mechanisms of disease in this gene and are associated with FBN1-related disease. Variants predicted to result in nonsense mediated decay cause loss of function effects, and are more commonly associated with severe Marfan syndrome (MIM#154700). Missense variants with both dominant negative and loss of function effects on protein function, are also associated with causing Marfan syndrome and ectopia lentis (MIM#129600) (OMIM, PMID: 29357934). The exact genotype-phenotype correlation for this gene is still unclear and is compounded by variable expressivity (GeneReviews: PMID: 20301510). (I) 0107 - This gene is associated with autosomal dominant disease. This gene is predominantly associated with autosomal dominant disease, however some individuals have been reported with an autosomal recessive form of Marfan syndrome (OMIM). (I) 0115 - Variants in this gene are known to have variable expressivity. The genotype-phenotype correlations for this gene are unclear, with single variants reported in patients with a range of phenotypes (GeneReviews: PMID: 20301510, OMIM). (I) 0200 - Variant is predicted to result in a missense amino acid change from threonine to serine. (I) 0251 - This variant is heterozygous. (I) 0302 - Variant is present in gnomAD (v2) <0.001 for a dominant condition (1 heterozygote, 0 homozygotes). (SP) 0309 - An alternative amino acid change at the same position has been observed in gnomAD (v3) (1 heterozygote, 0 homozygotes). (I) 0502 - Missense variant with conflicting in silico predictions and uninformative conservation. (I) 0600 - Variant is located in the annotated Calcium-binding EGF-like 13 (Uniprot). (I) 0705 - No comparable missense variants have previous evidence for pathogenicity. (I) 0809 - Previous evidence of pathogenicity for this variant is inconclusive. This variant has been reported as a VUS in ClinVar once. (I) 0905 - No published segregation evidence has been identified for this variant. (I) 1007 - No published functional evidence has been identified for this variant. (I) 1208 - Inheritance information for this variant is not currently available in this individual. (I) Legend: (SP) - Supporting pathogenic, (I) - Information, (SB) - Supporting benign

Literature cited by the submitters: NCBI Bookshelf NBK1335 (cited by Victorian Clinical Genetics Services, Murdoch Childrens Research Institute); PubMed 20301510 (cited by Victorian Clinical Genetics Services, Murdoch Childrens Research Institute); PubMed 29357934 (cited by Victorian Clinical Genetics Services, Murdoch Childrens Research Institute).